The following is an entry in ClinVar:

ClinVar aggregate classification (germline): Uncertain significance. Review status: criteria provided, multiple submitters, no conflicts (2 of 4 stars). 3 submissions from 3 submitters: Uncertain significance (2). 1 of the submissions does not count toward it. Last evaluated 2026-01-06.

Conditions:
BNC2-related disorder. Also called: BNC2-related condition.
Inborn genetic diseases. Identifiers: MedGen C0950123, MeSH D030342.

Allele frequency attached by ClinVar (database versions not stated): gnomAD 0.00001; TOPMed 0.00003.
gnomAD v4.1: 31 of 1,613,994 alleles (0.0019%); highest among the groups gnomAD compares: Admixed American, 0.048%; no homozygotes.

Submissions (3):

Labcorp Genetics (formerly Invitae), Labcorp
Classification: Uncertain significance. Last evaluated: 2026-01-06. Review status: criteria provided, single submitter. Criteria: Invitae Variant Classification Sherloc (09022015). Collection method: clinical testing. Allele origin: germline.
Comment: This sequence change replaces glycine, which is neutral and non-polar, with glutamic acid, which is acidic and polar, at codon 349 of the BNC2 protein (p.Gly349Glu). This variant is present in population databases (rs760334910, gnomAD 0.07%), and has an allele count higher than expected for a pathogenic variant. This variant has not been reported in the literature in individuals affected with BNC2-related conditions. ClinVar contains an entry for this variant (Variation ID: 3032938). An algorithm developed to predict the effect of missense changes on protein structure and function (PolyPhen-2) suggests that this variant is likely to be tolerated. In summary, the available evidence is currently insufficient to determine the role of this variant in disease. Therefore, it has been classified as a Variant of Uncertain Significance.

Ambry Genetics
Classification: Uncertain significance for Inborn genetic diseases. Last evaluated: 2022-05-27. Review status: criteria provided, single submitter. Criteria: Ambry Variant Classification Scheme 2023. Collection method: clinical testing. Allele origin: germline.

PreventionGenetics, part of Exact Sciences
Classification: Likely benign for BNC2-related condition. Last evaluated: 2022-05-22. Review status: no assertion criteria provided. Collection method: clinical testing. Allele origin: germline. Not counted in ClinVar's aggregate classification.
Comment: This variant is classified as likely benign based on ACMG/AMP sequence variant interpretation guidelines (Richards et al. 2015 PMID: 25741868, with internal and published modifications).

NM_017637.6(BNC2):c.1046G>A (p.Gly349Glu)

Gene: BNC2 (basonuclin zinc finger protein 2; minus strand). Cytogenetic location: 9p22.3.
Variant type: single nucleotide variant.
Coding change: c.1046G>A on transcript NM_017637.6 (MANE Select); coding-DNA position 1046, G replaced by A.
Protein change: p.Gly349Glu; replaces glycine 349 with glutamic acid.
Molecular consequence: missense variant.
Genome position (GRCh38, 1-based): chr9:16,437,148, C>T on the plus strand (G>A on the coding strand, the complement: BNC2 is on the minus strand). VCF-style: chr9-16437148-C-T. GRCh37 (hg19) VCF-style: chr9-16437146-C-T.
Other names: c.920G>A, p.Gly307Glu (NM_001317939.2); c.761G>A, p.Gly254Glu (NM_001317940.2); short protein forms G254E, G307E, G349E.
Identifiers: ClinVar variation 3032938 (VCV003032938.5), dbSNP rs760334910, ClinGen allele CA4996135.